The following is an entry in ClinVar:

ClinVar aggregate classification (germline): Uncertain significance (1 of 4 stars; one submission).

gnomAD v4.1: 16 of 1,613,992 alleles (0.00099%); highest among the groups gnomAD compares: African/African-American, 0.004%; no homozygotes.

Submission:

Labcorp Genetics (formerly Invitae), Labcorp
Classification: Uncertain significance. Last evaluated: 2025-09-09. Review status: criteria provided, single submitter. Criteria: Invitae Variant Classification Sherloc (09022015). Collection method: clinical testing. Allele origin: germline.
Comment: This sequence change replaces arginine, which is basic and polar, with cysteine, which is neutral and slightly polar, at codon 532 of the ACACA protein (p.Arg532Cys). This variant is present in population databases (rs145246486, gnomAD 0.002%). This variant has not been reported in the literature in individuals affected with ACACA-related conditions. An algorithm developed to predict the effect of missense changes on protein structure and function (PolyPhen-2) suggests that this variant is likely to be disruptive. In summary, the available evidence is currently insufficient to determine the role of this variant in disease. Therefore, it has been classified as a Variant of Uncertain Significance.

NM_198834.3(ACACA):c.1705C>T (p.Arg569Cys)

Gene: ACACA (acetyl-CoA carboxylase alpha; minus strand). Cytogenetic location: 17q12.
Variant type: single nucleotide variant.
Coding change: c.1705C>T on transcript NM_198834.3 (MANE Select); coding-DNA position 1705, C replaced by T.
Protein change: p.Arg569Cys; replaces arginine 569 with cysteine.
Molecular consequence: missense variant.
Genome position (GRCh38, 1-based): chr17:37,257,824, G>A on the plus strand (C>T on the coding strand, the complement: ACACA is on the minus strand). VCF-style: chr17-37257824-G-A. GRCh37 (hg19) VCF-style: chr17-35614746-G-A.
Other names: c.1594C>T, p.Arg532Cys (NM_198836.3, NM_198839.3); c.1420C>T, p.Arg474Cys (NM_198837.2); c.1360C>T, p.Arg454Cys (NM_198838.2); short protein forms R532C, R454C, R474C, R569C.
Identifiers: ClinVar variation 4692182 (VCV004692182.1).